The following is an entry in ClinVar:

NM_006493.4(CLN5):c.606_618del (p.Asp202fs)

Gene: CLN5 (CLN5 lysosomal BMP synthase; plus strand). Cytogenetic location: 13q22.3.
Variant type: Deletion.
Coding change: c.606_618del on transcript NM_006493.4 (MANE Select); coding-DNA positions 606 to 618, 13 bases deleted (CAATGAAACAGGA).
Protein change: p.Asp202fs; shifts the reading frame from aspartic acid 202.
Molecular consequence: frameshift variant. On other transcripts: 3 prime UTR variant (1).
Genome position (GRCh38, 1-based): chr13:77,000,498-77,000,510, CAATGAAACAGGA deleted; deleting any 13 consecutive bases within chr13:77,000,488-77,000,510 gives the same sequence; the c. name uses the placement nearest the transcript's 3' end. VCF-style (leftmost placement, unchanged base first): chr13-77000487-GTGAAACAGGACAA-G. GRCh37 (hg19) VCF-style: chr13-77574622-GTGAAACAGGACAA-G.
Other names: c.*55_*67del (NM_001366624.2); short protein forms D202fs.
Identifiers: ClinVar variation 2780664 (VCV002780664.3), dbSNP rs2501154632, ClinGen allele CA2739277685.

ClinVar aggregate classification (germline): Pathogenic (1 of 4 stars; one submission).

Conditions:
Neuronal ceroid lipofuscinosis. Also called: Neuronal Ceroid Lipofuscinoses. Identifiers: Orphanet 216, Orphanet 79263, MedGen C0027877, MONDO:0016295. Disease mechanism: loss of function.

Submission:

Labcorp Genetics (formerly Invitae), Labcorp
Classification: Pathogenic for Neuronal ceroid lipofuscinosis. Last evaluated: 2023-06-11. Review status: criteria provided, single submitter. Criteria: Invitae Variant Classification Sherloc (09022015). Collection method: clinical testing. Allele origin: germline.
Comment: This variant is not present in population databases (gnomAD no frequency). This sequence change creates a premature translational stop signal (p.Asp251Glufs*9) in the CLN5 gene. While this is not anticipated to result in nonsense mediated decay, it is expected to disrupt the last 157 amino acid(s) of the CLN5 protein. This variant has not been reported in the literature in individuals affected with CLN5-related conditions. This variant disrupts a region of the CLN5 protein in which other variant(s) (p.Tyr392*) have been determined to be pathogenic (PMID: 9662406, 11971870, 12134079, 20052765, 24038957, 24058541). This suggests that this is a clinically significant region of the protein, and that variants that disrupt it are likely to be disease-causing. For these reasons, this variant has been classified as Pathogenic.

Literature cited by the submitters: PubMed 9662406; PubMed 11971870; PubMed 12134079; PubMed 20052765; PubMed 24038957; PubMed 24058541.